The following is an entry in ClinVar:

NM_006648.4(WNK2):c.3164C>A (p.Pro1055Gln)

Gene: WNK2 (WNK lysine deficient protein kinase 2; plus strand). Cytogenetic location: 9q22.31.
Variant type: single nucleotide variant.
Coding change: c.3164C>A on transcript NM_006648.4 (MANE Select); coding-DNA position 3164, C replaced by A.
Protein change: p.Pro1055Gln; replaces proline 1055 with glutamine.
Molecular consequence: missense variant.
Genome position (GRCh38, 1-based): chr9:93,261,911, C>A. VCF-style: chr9-93261911-C-A. GRCh37 (hg19) VCF-style: chr9-96024193-C-A.
Other names: c.3164C>A, p.Pro1055Gln (NM_001282394.3); short protein forms P1055Q.
Identifiers: ClinVar variation 3333166 (VCV003333166.2).

ClinVar aggregate classification (germline): Uncertain significance (1 of 4 stars; one submission).

gnomAD v4.1: 2 of 1,607,362 alleles (0.00012%); highest among the groups gnomAD compares: Admixed American, 0.0017%; no homozygotes.

Submission:

Ambry Genetics
Classification: Uncertain significance. Last evaluated: 2025-01-27. Review status: criteria provided, single submitter. Criteria: Ambry Variant Classification Scheme 2023. Collection method: clinical testing. Allele origin: germline.
Comment: The p.P1055Q variant (also known as c.3164C>A), located in coding exon 12 of the WNK2 gene, results from a C to A substitution at nucleotide position 3164. The proline at codon 1055 is replaced by glutamine, an amino acid with similar properties. This amino acid position is conserved. In addition, this alteration is predicted to be tolerated by in silico analysis. Based on the available evidence, the clinical significance of this variant remains unclear.